The following is an entry in ClinVar:

NM_001164508.2(NEB):c.16090C>T (p.Arg5364Cys)

Gene: NEB (nebulin; minus strand). Cytogenetic location: 2q23.3.
Variant type: single nucleotide variant.
Coding change: c.16090C>T on transcript NM_001164508.2 (MANE Select); coding-DNA position 16090, C replaced by T.
Protein change: p.Arg5364Cys; replaces arginine 5364 with cysteine.
Molecular consequence: missense variant. On other transcripts: intron variant (1).
Genome position (GRCh38, 1-based): chr2:151,582,553, G>A on the plus strand (C>T on the coding strand, the complement: NEB is on the minus strand). VCF-style: chr2-151582553-G-A. GRCh37 (hg19) VCF-style: chr2-152439067-G-A.
Other names: c.16090C>T, p.Arg5364Cys (NM_001164507.2, NM_001271208.2); c.11602-6199C>T (NM_004543.5); short protein forms R5364C.
Identifiers: ClinVar variation 384294 (VCV000384294.1), dbSNP rs1057521915, ClinGen allele CA16603862.

ClinVar aggregate classification (germline): Likely benign (1 of 4 stars; one submission).

Submission:

GeneDx
Classification: Likely benign. Last evaluated: 2016-03-11. Review status: criteria provided, single submitter. Criteria: GeneDx Variant Classification (06012015). Collection method: clinical testing. Allele origin: germline. Affected: yes.
Comment: This variant is considered likely benign or benign based on one or more of the following criteria: it is a conservative change, it occurs at a poorly conserved position in the protein, it is predicted to be benign by multiple in silico algorithms, and/or has population frequency not consistent with disease.